The following is an entry in ClinVar:

NM_020928.2(ZSWIM6):c.2313G>T (p.Lys771Asn)

Gene: ZSWIM6 (zinc finger SWIM-type containing 6; plus strand). Cytogenetic location: 5q12.1.
Variant type: single nucleotide variant.
Coding change: c.2313G>T on transcript NM_020928.2 (MANE Select); coding-DNA position 2313, G replaced by T.
Protein change: p.Lys771Asn; replaces lysine 771 with asparagine.
Molecular consequence: missense variant.
Genome position (GRCh38, 1-based): chr5:61,535,551, G>T. VCF-style: chr5-61535551-G-T. GRCh37 (hg19) VCF-style: chr5-60831378-G-T.
Other names: short protein forms K771N.
Identifiers: ClinVar variation 3648876 (VCV003648876.2).
Genomic context (GRCh38, chr5:61,535,551, plus strand): 5'-ATATAGTGGTTTAGGTGAAATAATCCATCGGGAGAGCGTTCCAATGCACACATTTGCCAA[G>T]TATCTCTTCACCTCTCTCCTACCTCACGATGCTGAATTGGCATACAAAATTGCACTGAGA-3'
Protein context (NP_065979.1, residues 761-781): RESVPMHTFA[Lys771Asn]YLFTSLLPHD

ClinVar aggregate classification (germline): Uncertain significance (1 of 4 stars; one submission).

Submission:

Labcorp Genetics (formerly Invitae), Labcorp
Classification: Uncertain significance. Last evaluated: 2024-04-24. Review status: criteria provided, single submitter. Criteria: Invitae Variant Classification Sherloc (09022015). Collection method: clinical testing. Allele origin: germline.
Comment: This sequence change replaces lysine, which is basic and polar, with asparagine, which is neutral and polar, at codon 771 of the ZSWIM6 protein (p.Lys771Asn). This variant is not present in population databases (gnomAD no frequency). This variant has not been reported in the literature in individuals affected with ZSWIM6-related conditions. Advanced modeling of protein sequence and biophysical properties (such as structural, functional, and spatial information, amino acid conservation, physicochemical variation, residue mobility, and thermodynamic stability) performed at Invitae indicates that this missense variant is not expected to disrupt ZSWIM6 protein function with a negative predictive value of 80%. In summary, the available evidence is currently insufficient to determine the role of this variant in disease. Therefore, it has been classified as a Variant of Uncertain Significance.